The following is an entry in ClinVar:

NM_000355.4(TCN2):c.1127T>C (p.Leu376Ser)

Gene: TCN2 (transcobalamin 2; plus strand). Cytogenetic location: 22q12.2.
Variant type: single nucleotide variant.
Coding change: c.1127T>C on transcript NM_000355.4 (MANE Select); coding-DNA position 1127, T replaced by C.
Protein change: p.Leu376Ser; replaces leucine 376 with serine.
Molecular consequence: missense variant.
Genome position (GRCh38, 1-based): chr22:30,622,988, T>C. VCF-style: chr22-30622988-T-C. GRCh37 (hg19) VCF-style: chr22-31018975-T-C.
Other names: c.1046T>C, p.Leu349Ser (NM_001184726.2); short protein forms L376S, L349S.
Identifiers: ClinVar variation 341214 (VCV000341214.20), dbSNP rs1131603, ClinGen allele CA10184993.

ClinVar aggregate classification (germline): Benign. Review status: criteria provided, multiple submitters, no conflicts (2 of 4 stars). 5 submissions from 5 submitters: Benign (5). Last evaluated 2026-02-03.

Conditions:
Transcobalamin II deficiency (TCN2D). Also called: TC II DEFICIENCY; TCN2 DEFICIENCY; Transcolabamin II deficiency. Identifiers: Orphanet 859, MedGen C0342701, MONDO:0010149, OMIM 275350.

Allele frequency attached by ClinVar (database versions not stated): 1000 Genomes Project 30x 0.01874; 1000 Genomes Project 0.01957; TOPMed 0.03164; ESP Exome Variant Server 0.03621; gnomAD 0.03634 and 0.03712; gnomAD exomes 0.04219 and 0.04452; ExAC 0.04267.
gnomAD v4.1: 70,395 of 1,614,044 alleles (4.4%); highest among the groups gnomAD compares: Non-Finnish European, 4.8%; 1,756 homozygotes.

Submissions (5):

Labcorp Genetics (formerly Invitae), Labcorp
Classification: Benign for Transcobalamin II deficiency. Last evaluated: 2026-02-03. Review status: criteria provided, single submitter. Criteria: Invitae Variant Classification Sherloc (09022015). Collection method: clinical testing. Allele origin: germline.

Mayo Clinic Laboratories, Mayo Clinic
Classification: Benign. Last evaluated: 2025-09-16. Review status: criteria provided, single submitter. Criteria: ACMG Guidelines, 2015. Collection method: clinical testing. Allele origin: germline. Observed: 19 variant alleles.
Comment: BA1, BS2, BP4_moderate

GeneDx
Classification: Benign. Last evaluated: 2018-11-15. Review status: criteria provided, single submitter. Criteria: GeneDx Variant Classification Process June 2021. Collection method: clinical testing. Allele origin: germline. Affected: yes.
Comment: This variant is associated with the following publications: (PMID: 28334792, 23754956)

Illumina Laboratory Services, Illumina
Classification: Benign for Transcobalamin II deficiency. Last evaluated: 2018-01-12. Review status: criteria provided, single submitter. Criteria: ICSL Variant Classification Criteria 13 December 2019. Collection method: clinical testing. Allele origin: germline.
Comment: This variant was observed in the ICSL laboratory as part of a predisposition screen in an ostensibly healthy population. It had not been previously curated by ICSL or reported in the Human Gene Mutation Database (HGMD: prior to June 1st, 2018), and was therefore a candidate for classification through an automated scoring system. Utilizing variant allele frequency, disease prevalence and penetrance estimates, and inheritance mode, an automated score was calculated to assess if this variant is too frequent to cause the disease. Based on the score and internal cut-off values, a variant classified as benign is not then subjected to further curation. The score for this variant resulted in a classification of benign for this disease.

Breakthrough Genomics
Classification: Benign. Review status: criteria provided, single submitter. Criteria: ACMG Guidelines, 2015. Collection method: not provided. Allele origin: germline. Inheritance: Autosomal recessive inheritance. Affected: yes.